The following is an entry in ClinVar:

NM_000088.4(COL1A1):c.579del (p.Gly194fs)

Gene: COL1A1 (collagen type I alpha 1 chain; minus strand). Cytogenetic location: 17q21.33.
Variant type: Deletion.
Coding change: c.579del on transcript NM_000088.4 (MANE Select); coding-DNA position 579, one base deleted (T; older notation c.579delT).
Protein change: p.Gly194fs; shifts the reading frame from glycine 194.
Molecular consequence: frameshift variant.
Genome position (GRCh38, 1-based): chr17:50,198,170, A deleted on the plus strand (T on the coding strand, the reverse complement: COL1A1 is on the minus strand). VCF-style (leftmost placement, unchanged base first): chr17-50198169-CA-C. GRCh37 (hg19) VCF-style: chr17-48275530-CA-C.
Other names: c.579del, p.Gly194fs (LRG_1t1); c.579delT (NM_000088.3, NM_000088.4); short protein forms G194fs.
Identifiers: ClinVar variation 35925 (VCV000035925.39), dbSNP rs72667023, ClinGen allele CA260320.

ClinVar aggregate classification (germline): Pathogenic. Review status: criteria provided, multiple submitters, no conflicts (2 of 4 stars). 12 submissions from 12 submitters: Pathogenic (11). 1 of the submissions does not count toward it. Last evaluated 2025-09-09.

Conditions:
COL1A1-related disorder. Also called: COL1A1-related condition; COL1A1- related disease.
Osteogenesis imperfecta (OI). Identifiers: Orphanet 666, MedGen C0029434, MeSH D010013, MONDO:0019019.
Postmenopausal osteoporosis. Also called: OSTEOPOROSIS, INVOLUTIONAL; BONE MINERAL DENSITY QUANTITATIVE TRAIT LOCUS. Identifiers: MedGen C0029458, MONDO:0008159.
Osteogenesis imperfecta type I (OI1). Also called: Osteogenesis imperfecta type 1; OI, TYPE I; OSTEOGENESIS IMPERFECTA TARDA; OSTEOGENESIS IMPERFECTA WITH BLUE SCLERAE; Lobstein disease; Classic Non-deforming Osteogenesis Imperfecta with Blue Sclerae. Identifiers: Orphanet 216796, Orphanet 666, MedGen C0023931, MONDO:0008146, OMIM 166200. Disease mechanism: loss of function.

Allele frequency attached by ClinVar (database versions not stated): gnomAD exomes below 0.00001.

Submissions (12):

Equipe Genetique des Anomalies du Developpement, Université de Bourgogne
Classification: Pathogenic for Osteogenesis imperfecta type I. Last evaluated: 2025-09-09. Review status: criteria provided, single submitter. Criteria: ACMG Guidelines, 2015. Collection method: clinical testing. Allele origin: paternal. Affected: yes.
Comment: This is a heterozygous one-base pair deletion in the COL1A1 gene, identified by exome sequencing. This variant is reported once in the heterozygous state in the gnomAD v4.1.0 population database. It is classified as pathogenic in the ClinVar database and has been described in individuals with osteogenesis imperfecta type I (OMIM #166200) in the literature (PMID: 32166892, 21667357). Based on current evidence, this variant is considered pathogenic (class 5, according to ACMG criteria).

Labcorp Genetics (formerly Invitae), Labcorp
Classification: Pathogenic for Osteogenesis imperfecta type I. Last evaluated: 2025-07-06. Review status: criteria provided, single submitter. Criteria: Invitae Variant Classification Sherloc (09022015). Collection method: clinical testing. Allele origin: germline.
Comment: This sequence change creates a premature translational stop signal (p.Gly194Valfs*71) in the COL1A1 gene. It is expected to result in an absent or disrupted protein product. Loss-of-function variants in COL1A1 are known to be pathogenic (PMID: 7942841, 9295084, 9443882). This variant is not present in population databases (gnomAD no frequency). This premature translational stop signal has been observed in individual(s) with osteogenesis imperfecta (PMID: 16879195, 27510842). ClinVar contains an entry for this variant (Variation ID: 35925). For these reasons, this variant has been classified as Pathogenic.

Women's Health and Genetics/Laboratory Corporation of America, LabCorp
Classification: Pathogenic for Osteogenesis imperfecta. Last evaluated: 2025-06-18. Review status: criteria provided, single submitter. Criteria: LabCorp Variant Classification Summary - May 2015. Collection method: clinical testing. Allele origin: germline.
Comment: Variant summary: COL1A1 c.579delT (p.Gly194ValfsX71) results in a premature termination codon, predicted to cause a truncation of the encoded protein or absence of the protein due to nonsense mediated decay, however current evidence is not sufficient to establish loss of function as a mechanism for disease. The frequency data for this variant in gnomAD is considered unreliable, as metrics indicate poor data quality at this position. c.579delT has been observed in individuals affected with Osteogenesis Imperfecta (Venturi_2006, Swinnen_2009). These data indicate that the variant may be associated with disease. To our knowledge, no experimental evidence demonstrating an impact on protein function has been reported. The following publications have been ascertained in the context of this evaluation (PMID: 16879195, 19358256). ClinVar contains an entry for this variant (Variation ID: 35925). Based on the evidence outlined above, the variant was classified as pathogenic.

Clinical Biomedical Laboratory, Shriners Hospital For Children - Canada
Classification: Pathogenic for Osteogenesis imperfecta type I. Last evaluated: 2025-05-23. Review status: criteria provided, single submitter. Criteria: ACMG Guidelines, 2015. Collection method: clinical testing. Allele origin: germline. Affected: yes.
Comment: This variant is predicted to substitute a glycine residue by a valine residue, introduce a frameshift resulting in a premature stop codon 71 amino acids downstream. Variants predicted to introduce termination codons lead to degradation of the affected transcript and haploinsufficiency of the alpha 1 chain of collagen type I, which is a typical cause of OI type I. This variant is absent from the Genome Aggregation Database (v2.1.1), indicating it is rare. This variant has been reported in the literature (PMID: 25944380) as a cause of osteogenesis imperfecta.

CeGaT Center for Human Genetics Tuebingen
Classification: Pathogenic. Last evaluated: 2024-12-01. Review status: criteria provided, single submitter. Criteria: CeGaT Center For Human Genetics Tuebingen Variant Classification Criteria Version 2. Collection method: clinical testing. Allele origin: germline. Affected: yes. Observed: 1 variant allele.
Comment: COL1A1: PVS1, PM2, PS4:Moderate

GeneDx
Classification: Pathogenic. Last evaluated: 2024-06-25. Review status: criteria provided, single submitter. Criteria: GeneDx Variant Classification Process June 2021. Collection method: clinical testing. Allele origin: germline. Affected: yes.
Comment: Frameshift variant predicted to result in protein truncation or nonsense mediated decay in a gene for which loss-of-function is a known mechanism of disease; Not observed at significant frequency in large population cohorts (gnomAD); This variant is associated with the following publications: (PMID: 36709916, 37334733, 35909573, 34902613, 36951356, 25944380, 19358256, 22679784, 23195995, 27510842, 26627451, 16879195, 21884818, 32034735, 28528406, 29502568, 32166892, 21667357)

Blueprint Genetics
Classification: Pathogenic for COL1A1-related disorders. Last evaluated: 2024-04-04. Review status: criteria provided, single submitter. Criteria: ACMG Guidelines, 2015. Collection method: clinical testing. Allele origin: germline. Affected: yes. Observed: 5 variant alleles.

3billion
Classification: Pathogenic for Osteogenesis imperfecta type I. Last evaluated: 2024-03-07. Review status: criteria provided, single submitter. Criteria: ACMG Guidelines, 2015. Collection method: clinical testing. Allele origin: germline. Affected: yes.
Comment: The variant is not observed in the gnomAD v2.1.1 dataset. Predicted Consequence/Location: Frameshift: predicted to result in a loss or disruption of normal protein function through nonsense-mediated decay (NMD) or protein truncation. Multiple pathogenic variants are reported downstream of the variant. The variant has been reported at least twice as pathogenic with clinical assertions and evidence for the classification (ClinVar ID: VCV000035925 /PMID: 16879195). Therefore, this variant is classified as Pathogenic according to the recommendation of ACMG/AMP guideline.

Clinical Genetics Laboratory, Skane University Hospital Lund
Classification: Pathogenic. Last evaluated: 2022-07-13. Review status: criteria provided, single submitter. Criteria: ACMG Guidelines, 2015. Collection method: clinical testing. Allele origin: germline. Affected: yes.

Institute for Medical Genetics and Human Genetics, Charité - Universitätsmedizin Berlin
Classification: Pathogenic for Osteoporosis. Last evaluated: 2021-06-14. Review status: criteria provided, single submitter. Criteria: ACMG Guidelines, 2015. Collection method: not provided. Allele origin: germline. Affected: yes. Observed: 1 heterozygote.

Genome Diagnostics Laboratory, The Hospital for Sick Children
Classification: Pathogenic for Osteogenesis imperfecta. Last evaluated: 2019-12-01. Review status: criteria provided, single submitter. Criteria: ACMG Guidelines, 2015. Collection method: clinical testing. Allele origin: germline.

Department of Medical Sciences, Uppsala University
Classification: Pathogenic for OI type I. Review status: no assertion criteria provided. Collection method: clinical testing. Allele origin: maternal, paternal. Affected: yes. Observed: 3 variant alleles. Not counted in ClinVar's aggregate classification.

Literature cited by the submitters: PubMed 32166892 (cited by Equipe Genetique des Anomalies du Developpement, Université de Bourgogne); PubMed 21667357 (cited by Equipe Genetique des Anomalies du Developpement, Université de Bourgogne); PubMed 7942841 (cited by Labcorp Genetics (formerly Invitae), Labcorp); PubMed 9295084 (cited by Labcorp Genetics (formerly Invitae), Labcorp); PubMed 9443882 (cited by Labcorp Genetics (formerly Invitae), Labcorp); PubMed 16879195 (cited by 3 submitters); PubMed 27510842 (cited by Labcorp Genetics (formerly Invitae), Labcorp); PubMed 19358256 (cited by Women's Health and Genetics/Laboratory Corporation of America, LabCorp); PubMed 25944380 (cited by Clinical Biomedical Laboratory, Shriners Hospital For Children - Canada and Department of Medical Sciences, Uppsala University).